The following is an entry in ClinVar:

ClinVar aggregate classification (germline): Uncertain significance (1 of 4 stars; one submission).

Submission:

GeneDx
Classification: Uncertain significance. Last evaluated: 2020-02-13. Review status: criteria provided, single submitter. Criteria: GeneDx Variant Classification Process June 2021. Collection method: clinical testing. Allele origin: germline. Affected: yes.
Comment: Not observed in large population cohorts (Lek et al., 2016); Has not been previously published as pathogenic or benign to our knowledge; In-silico analysis, which includes splice predictors and evolutionary conservation, is inconclusive as to whether the variant alters gene splicing. In the absence of RNA/functional studies, the actual effect of this sequence change is unknown.; Variants in candidate genes are classified as variants of uncertain significance in accordance with ACMG guidelines (Richards et al., 2015)

NM_001961.4(EEF2):c.585C>T (p.Gly195=)

Gene: EEF2 (eukaryotic translation elongation factor 2; minus strand). Cytogenetic location: 19p13.3.
Variant type: single nucleotide variant.
Coding change: c.585C>T on transcript NM_001961.4 (MANE Select); coding-DNA position 585, C replaced by T.
Protein change: p.Gly195=; no amino-acid change (glycine 195 retained).
Molecular consequence: synonymous variant.
Genome position (GRCh38, 1-based): chr19:3,982,834, G>A on the plus strand (C>T on the coding strand, the complement: EEF2 is on the minus strand). VCF-style: chr19-3982834-G-A. GRCh37 (hg19) VCF-style: chr19-3982832-G-A.
Identifiers: ClinVar variation 1316078 (VCV001316078.2), dbSNP rs1246304491, ClinGen allele CA505160566.